The following is an entry in ClinVar:

ClinVar aggregate classification (germline): Uncertain significance (1 of 4 stars; one submission).

gnomAD v4.1: 1 of 1,613,268 alleles (0.000062%); highest among the groups gnomAD compares: Admixed American, 0.0017%; no homozygotes.

Submission:

Labcorp Genetics (formerly Invitae), Labcorp
Classification: Uncertain significance. Last evaluated: 2025-02-23. Review status: criteria provided, single submitter. Criteria: Invitae Variant Classification Sherloc (09022015). Collection method: clinical testing. Allele origin: germline.
Comment: This sequence change replaces leucine, which is neutral and non-polar, with phenylalanine, which is neutral and non-polar, at codon 536 of the SLCO2A1 protein (p.Leu536Phe). This variant is not present in population databases (gnomAD no frequency). This variant has not been reported in the literature in individuals affected with SLCO2A1-related conditions. Invitae Evidence Modeling of protein sequence and biophysical properties (such as structural, functional, and spatial information, amino acid conservation, physicochemical variation, residue mobility, and thermodynamic stability) has been performed for this missense variant. However, the output from this modeling did not meet the statistical confidence thresholds required to predict the impact of this variant on SLCO2A1 protein function. In summary, the available evidence is currently insufficient to determine the role of this variant in disease. Therefore, it has been classified as a Variant of Uncertain Significance.

NM_005630.3(SLCO2A1):c.1606C>T (p.Leu536Phe)

Gene: SLCO2A1 (solute carrier organic anion transporter family member 2A1; minus strand). Cytogenetic location: 3q22.1.
Variant type: single nucleotide variant.
Coding change: c.1606C>T on transcript NM_005630.3 (MANE Select); coding-DNA position 1606, C replaced by T.
Protein change: p.Leu536Phe; replaces leucine 536 with phenylalanine.
Molecular consequence: missense variant.
Genome position (GRCh38, 1-based): chr3:133,942,624, G>A on the plus strand (C>T on the coding strand, the complement: SLCO2A1 is on the minus strand). VCF-style: chr3-133942624-G-A. GRCh37 (hg19) VCF-style: chr3-133661468-G-A.
Other names: short protein forms L536F.
Identifiers: ClinVar variation 4695165 (VCV004695165.1).